The following is an entry in ClinVar:

NM_000051.4(ATM):c.1800del (p.His600fs)

Gene: ATM (ATM serine/threonine kinase; plus strand). Cytogenetic location: 11q22.3.
Variant type: Deletion.
Coding change: c.1800del on transcript NM_000051.4 (MANE Select); coding-DNA position 1800, one base deleted (C; older notation c.1800delC).
Protein change: p.His600fs; shifts the reading frame from histidine 600.
Molecular consequence: frameshift variant.
Genome position (GRCh38, 1-based): chr11:108,252,029, C deleted. VCF-style (leftmost placement, unchanged base first): chr11-108252028-AC-A. GRCh37 (hg19) VCF-style: chr11-108122755-AC-A.
Other names: c.1800del, p.His600fs (NM_001351834.2); short protein forms H600fs.
Identifiers: ClinVar variation 2751809 (VCV002751809.4), dbSNP rs2497275284, ClinGen allele CA2697549008.

ClinVar aggregate classification (germline): Pathogenic. Review status: criteria provided, multiple submitters, no conflicts (2 of 4 stars). 2 submissions from 2 submitters: Pathogenic (2). Last evaluated 2026-08-19.

Conditions:
Ataxia-telangiectasia syndrome (AT). Also called: Cerebello-oculocutaneous telangiectasia; Immunodeficiency with ataxia telangiectasia; Ataxia-telangiectasia, complementation group E; LOUIS-BAR SYNDROME; Ataxia telangiectasia (A-T); Ataxia-telangiectasia, complementation group D. Identifiers: Orphanet 100, MedGen C0004135, MONDO:0008840, OMIM 208900.
Hereditary cancer-predisposing syndrome. Also called: Hereditary Cancer Syndrome; Hereditary neoplastic syndrome; Neoplastic Syndromes, Hereditary; Tumor predisposition. Identifiers: Orphanet 140162, MedGen C0027672, MeSH D009386, MONDO:0015356.

Submissions (2):

Ambry Genetics
Classification: Pathogenic for Hereditary cancer-predisposing syndrome. Last evaluated: 2026-08-19. Review status: criteria provided, single submitter. Criteria: Ambry Variant Classification Scheme 2023. Collection method: clinical testing. Allele origin: germline.
Comment: The c.1800delC pathogenic mutation, located in coding exon 10 of the ATM gene, results from a deletion of one nucleotide at nucleotide position 1800, causing a translational frameshift with a predicted alternate stop codon (p.H600Qfs*14). This variant is considered to be rare based on population cohorts in the Genome Aggregation Database (gnomAD). This alteration is expected to result in loss of function by premature protein truncation or nonsense-mediated mRNA decay. As such, this alteration is interpreted as a disease-causing mutation.

Labcorp Genetics (formerly Invitae), Labcorp
Classification: Pathogenic for Ataxia-telangiectasia syndrome. Last evaluated: 2023-08-11. Review status: criteria provided, single submitter. Criteria: Invitae Variant Classification Sherloc (09022015). Collection method: clinical testing. Allele origin: germline.
Comment: This variant has not been reported in the literature in individuals affected with ATM-related conditions. For these reasons, this variant has been classified as Pathogenic. This variant is not present in population databases (gnomAD no frequency). This sequence change creates a premature translational stop signal (p.His600Glnfs*14) in the ATM gene. It is expected to result in an absent or disrupted protein product. Loss-of-function variants in ATM are known to be pathogenic (PMID: 23807571, 25614872).

Literature cited by the submitters: PubMed 23807571 (cited by Labcorp Genetics (formerly Invitae), Labcorp); PubMed 25614872 (cited by Labcorp Genetics (formerly Invitae), Labcorp).